The following is an entry in ClinVar:

NM_001318895.3(FHL2):c.529C>T (p.Arg177Trp)

Genes: C2orf49 (chromosome 2 open reading frame 49; plus strand), FHL2 (four and a half LIM domains 2; minus strand). Cytogenetic location: 2q12.2.
Variant type: single nucleotide variant.
Coding change: c.529C>T on transcript NM_001318895.3 (MANE Select); coding-DNA position 529, C replaced by T.
Protein change: p.Arg177Trp; replaces arginine 177 with tryptophan.
Molecular consequence: missense variant.
Genome position (GRCh38, 1-based): chr2:105,363,444, G>A on the plus strand (C>T on the coding strand, the complement: FHL2 is on the minus strand). VCF-style: chr2-105363444-G-A. GRCh37 (hg19) VCF-style: chr2-105979901-G-A.
Other names: c.529C>T, p.Arg177Trp (NM_001039492.3, NM_001318894.1, NM_001318896.2 and 4 more transcripts); c.187C>T, p.Arg63Trp (NM_001318897.2, NM_001318898.2); c.205C>T, p.Arg69Trp (NM_001318899.2); short protein forms R177W, R63W, R69W.
Identifiers: ClinVar variation 2149319 (VCV002149319.4), dbSNP rs763291334, ClinGen allele CA1814708.

ClinVar aggregate classification (germline): Uncertain significance (1 of 4 stars; one submission).

Conditions:
Primary dilated cardiomyopathy (DCM). Also called: Dilated Cardiomyopathy. Identifiers: Orphanet 217604, MedGen C0007193, MeSH D002311, MONDO:0005021, HP:0001644. Inheritance: Various modes of inheritance.

Allele frequency attached by ClinVar (database versions not stated): ExAC 0.00002; gnomAD 0.00002; gnomAD exomes 0.00003.
gnomAD v4.1: 40 of 1,611,096 alleles (0.0025%); highest among the groups gnomAD compares: South Asian, 0.0089%; no homozygotes.

Submission:

Labcorp Genetics (formerly Invitae), Labcorp
Classification: Uncertain significance for Primary dilated cardiomyopathy. Last evaluated: 2025-05-19. Review status: criteria provided, single submitter. Criteria: Invitae Variant Classification Sherloc (09022015). Collection method: clinical testing. Allele origin: germline.
Comment: This sequence change replaces arginine, which is basic and polar, with tryptophan, which is neutral and slightly polar, at codon 177 of the FHL2 protein (p.Arg177Trp). This variant is present in population databases (rs763291334, gnomAD 0.01%). This variant has not been reported in the literature in individuals affected with FHL2-related conditions. ClinVar contains an entry for this variant (Variation ID: 2149319). Invitae Evidence Modeling of protein sequence and biophysical properties (such as structural, functional, and spatial information, amino acid conservation, physicochemical variation, residue mobility, and thermodynamic stability) indicates that this missense variant is not expected to disrupt FHL2 protein function with a negative predictive value of 80%. In summary, the available evidence is currently insufficient to determine the role of this variant in disease. Therefore, it has been classified as a Variant of Uncertain Significance.